The following is an entry in ClinVar:

NM_013275.6(ANKRD11):c.7677G>A (p.Leu2559=)

Gene: ANKRD11 (ankyrin repeat domain 11; minus strand). Cytogenetic location: 16q24.3.
Variant type: single nucleotide variant.
Coding change: c.7677G>A on transcript NM_013275.6 (MANE Select); coding-DNA position 7677, G replaced by A.
Protein change: p.Leu2559=; no amino-acid change (leucine 2559 retained).
Molecular consequence: synonymous variant.
Genome position (GRCh38, 1-based): chr16:89,274,850, C>T on the plus strand (G>A on the coding strand, the complement: ANKRD11 is on the minus strand). VCF-style: chr16-89274850-C-T. GRCh37 (hg19) VCF-style: chr16-89341258-C-T.
Other names: c.7677G>A, p.Leu2559= (NM_001256182.2, NM_001256183.2); c.7677G>A (NM_013275.5).
Identifiers: ClinVar variation 588993 (VCV000588993.49), dbSNP rs143429968, ClinGen allele CA8241063.

ClinVar aggregate classification (germline): Likely benign. Review status: criteria provided, multiple submitters, no conflicts (2 of 4 stars). 3 submissions from 3 submitters: Likely benign (3). Last evaluated 2026-07-10.

Conditions:
ANKRD11-related disorder. Also called: ANKRD11-related condition.
Inborn genetic diseases. Identifiers: MedGen C0950123, MeSH D030342.
KBG syndrome (KBGS). Also called: ANKRD11-Related KBG Syndrome. Identifiers: Orphanet 2332, MedGen C0220687, MONDO:0007846, OMIM 148050.

Allele frequency attached by ClinVar (database versions not stated): gnomAD 0.00001 and 0.00002; gnomAD exomes 0.00001 and 0.00003; ExAC 0.00002; TOPMed 0.00002; 1000 Genomes Project 0.00020; 1000 Genomes Project 30x 0.00031.
gnomAD v4.1: 10 of 1,612,710 alleles (0.00062%); highest among the groups gnomAD compares: Admixed American, 0.015%; no homozygotes.

Submissions (3):

PreventionGenetics, part of Exact Sciences
Classification: Likely benign for ANKRD11-related condition. Last evaluated: 2026-07-10. Review status: criteria provided, single submitter. Criteria: ACMG Guidelines, 2015. Collection method: clinical testing. Allele origin: germline.
Comment: This variant is classified as likely benign based on ACMG/AMP sequence variant interpretation guidelines (Richards et al. 2015 PMID: 25741868, with internal and published modifications).

Labcorp Genetics (formerly Invitae), Labcorp
Classification: Likely benign for KBG syndrome. Last evaluated: 2024-05-06. Review status: criteria provided, single submitter. Criteria: Invitae Variant Classification Sherloc (09022015). Collection method: clinical testing. Allele origin: germline.

Ambry Genetics
Classification: Likely benign for Inborn genetic diseases. Last evaluated: 2017-04-28. Review status: criteria provided, single submitter. Criteria: Ambry Variant Classification Scheme 2023. Collection method: clinical testing. Allele origin: germline.